The following is an entry in ClinVar:

NM_001844.5(COL2A1):c.4409T>G (p.Ile1470Arg)

Gene: COL2A1 (collagen type II alpha 1 chain; minus strand). Cytogenetic location: 12q13.11.
Variant type: single nucleotide variant.
Coding change: c.4409T>G on transcript NM_001844.5 (MANE Select); coding-DNA position 4409, T replaced by G.
Protein change: p.Ile1470Arg; replaces isoleucine 1470 with arginine.
Molecular consequence: missense variant.
Genome position (GRCh38, 1-based): chr12:47,973,462, A>C on the plus strand (T>G on the coding strand, the complement: COL2A1 is on the minus strand). VCF-style: chr12-47973462-A-C. GRCh37 (hg19) VCF-style: chr12-48367245-A-C.
Other names: c.4202T>G, p.Ile1401Arg (NM_033150.3); short protein forms I1401R, I1470R.
Identifiers: ClinVar variation 4804212 (VCV004804212.1).

ClinVar aggregate classification (germline): Uncertain significance (1 of 4 stars; one submission).

Submission:

Labcorp Genetics (formerly Invitae), Labcorp
Classification: Uncertain significance. Last evaluated: 2025-12-02. Review status: criteria provided, single submitter. Criteria: Invitae Variant Classification Sherloc (09022015). Collection method: clinical testing. Allele origin: germline.
Comment: This sequence change replaces isoleucine, which is neutral and non-polar, with arginine, which is basic and polar, at codon 1470 of the COL2A1 protein (p.Ile1470Arg). This variant is not present in population databases (gnomAD no frequency). This variant has not been reported in the literature in individuals affected with COL2A1-related conditions. Invitae Evidence Modeling of protein sequence and biophysical properties (such as structural, functional, and spatial information, amino acid conservation, physicochemical variation, residue mobility, and thermodynamic stability) has been performed for this missense variant. However, the output from this modeling did not meet the statistical confidence thresholds required to predict the impact of this variant on COL2A1 protein function. In summary, the available evidence is currently insufficient to determine the role of this variant in disease. Therefore, it has been classified as a Variant of Uncertain Significance.